The following is an entry in ClinVar:

NM_181507.2(HPS5):c.*804C>T

Gene: HPS5 (HPS5 biogenesis of lysosomal organelles complex 2 subunit 2; minus strand). Cytogenetic location: 11p15.1.
Variant type: single nucleotide variant.
Coding change: c.*804C>T on transcript NM_181507.2 (MANE Select); 804 bases downstream of the stop codon, C replaced by T.
Molecular consequence: 3 prime UTR variant.
Genome position (GRCh38, 1-based): chr11:18,279,078, G>A on the plus strand (C>T on the coding strand, the complement: HPS5 is on the minus strand). VCF-style: chr11-18279078-G-A. GRCh37 (hg19) VCF-style: chr11-18300625-G-A.
Other names: c.*804C>T (NM_007216.4, NM_181508.2).
Identifiers: ClinVar variation 303853 (VCV000303853.6), dbSNP rs1046628, ClinGen allele CA10630506.
Genomic context (GRCh38, chr11:18,279,078, plus strand): 5'-TAGAAAATATTAAATAAATACAGGGAAAAATATTTTTAATTAGCTTAATTTATATATGAA[G>A]ATATTTTATTTAATTTGTTTTTGAGACAGGGTCTTTCTCTGTCACCCAGACTGGTGTGCA-3'

ClinVar aggregate classification (germline): Benign. Review status: criteria provided, multiple submitters, no conflicts (2 of 4 stars). 2 submissions from 2 submitters: Benign (2). Last evaluated 2018-01-13.

Conditions:
Hermansky-Pudlak syndrome 5 (HPS5). Identifiers: Orphanet 231512, Orphanet 79430, MedGen C3888004, MONDO:0013557, OMIM 614074.

Allele frequency attached by ClinVar (database versions not stated): 1000 Genomes Project 0.10603; 1000 Genomes Project 30x 0.11118; TOPMed 0.15870; gnomAD 0.16585 and 0.17195.

Submissions (2):

Illumina Laboratory Services, Illumina
Classification: Benign for Hermansky-Pudlak syndrome 5. Last evaluated: 2018-01-13. Review status: criteria provided, single submitter. Criteria: ICSL Variant Classification Criteria 13 December 2019. Collection method: clinical testing. Allele origin: germline.
Comment: This variant was observed in the ICSL laboratory as part of a predisposition screen in an ostensibly healthy population. It had not been previously curated by ICSL or reported in the Human Gene Mutation Database (HGMD: prior to June 1st, 2018), and was therefore a candidate for classification through an automated scoring system. Utilizing variant allele frequency, disease prevalence and penetrance estimates, and inheritance mode, an automated score was calculated to assess if this variant is too frequent to cause the disease. Based on the score and internal cut-off values, a variant classified as benign is not then subjected to further curation. The score for this variant resulted in a classification of benign for this disease.

Breakthrough Genomics
Classification: Benign. Review status: criteria provided, single submitter. Criteria: ACMG Guidelines, 2015. Collection method: not provided. Allele origin: germline. Inheritance: Autosomal recessive inheritance. Affected: yes.